The following is an entry in ClinVar:

ClinVar aggregate classification (germline): Uncertain significance (1 of 4 stars; one submission).

Conditions:
Ullrich congenital muscular dystrophy 2 (UCMD2). Identifiers: Orphanet 75840, MedGen C4225314, MONDO:0014654, OMIM 616470.
Bethlem myopathy 2 (BTHLM2). Identifiers: Orphanet 536516, Orphanet 610, MedGen C4225313, MONDO:0034022, OMIM 616471.

gnomAD v4.1: 1 of 1,596,336 alleles (0.000063%); highest among the groups gnomAD compares: Non-Finnish European, 0.000085%; no homozygotes.

Submission:

Labcorp Genetics (formerly Invitae), Labcorp
Classification: Uncertain significance for Bethlem myopathy 2; Ullrich congenital muscular dystrophy 2. Last evaluated: 2024-02-18. Review status: criteria provided, single submitter. Criteria: Invitae Variant Classification Sherloc (09022015). Collection method: clinical testing. Allele origin: germline.
Comment: This sequence change replaces threonine, which is neutral and polar, with serine, which is neutral and polar, at codon 2299 of the COL12A1 protein (p.Thr2299Ser). This variant is not present in population databases (gnomAD no frequency). This variant has not been reported in the literature in individuals affected with COL12A1-related conditions. Advanced modeling of protein sequence and biophysical properties (such as structural, functional, and spatial information, amino acid conservation, physicochemical variation, residue mobility, and thermodynamic stability) performed at Invitae indicates that this missense variant is expected to disrupt COL12A1 protein function with a positive predictive value of 80%. In summary, the available evidence is currently insufficient to determine the role of this variant in disease. Therefore, it has been classified as a Variant of Uncertain Significance.

NM_004370.6(COL12A1):c.6895A>T (p.Thr2299Ser)

Gene: COL12A1 (collagen type XII alpha 1 chain; minus strand). Cytogenetic location: 6q13.
Variant type: single nucleotide variant.
Coding change: c.6895A>T on transcript NM_004370.6 (MANE Select); coding-DNA position 6895, A replaced by T.
Protein change: p.Thr2299Ser; replaces threonine 2299 with serine.
Molecular consequence: missense variant.
Genome position (GRCh38, 1-based): chr6:75,123,381, T>A on the plus strand (A>T on the coding strand, the complement: COL12A1 is on the minus strand). VCF-style: chr6-75123381-T-A. GRCh37 (hg19) VCF-style: chr6-75833097-T-A.
Other names: c.6895A>T, p.Thr2299Ser (NM_001424113.1); c.6874A>T, p.Thr2292Ser (NM_001424114.1); c.6622A>T, p.Thr2208Ser (NM_001424115.1); c.3403A>T, p.Thr1135Ser (NM_001424116.1, NM_080645.3); short protein forms T1135S, T2208S, T2292S, T2299S.
Identifiers: ClinVar variation 3761467 (VCV003761467.2).